The following is an entry in ClinVar:

ClinVar aggregate classification (germline): Uncertain significance. Review status: criteria provided, multiple submitters, no conflicts (2 of 4 stars). 3 submissions from 3 submitters: Uncertain significance (3). Last evaluated 2025-07-08.

Conditions:
Primary ciliary dyskinesia. Also called: Ciliary dyskinesia. Identifiers: Orphanet 244, MedGen C0008780, MONDO:0016575, HP:0012265.

Allele frequency attached by ClinVar (database versions not stated): ExAC 0.00003; TOPMed 0.00013.
gnomAD v4.1: 54 of 1,612,600 alleles (0.0033%); highest among the groups gnomAD compares: African/African-American, 0.035%; no homozygotes.

Submissions (3):

GeneDx
Classification: Uncertain significance. Last evaluated: 2025-07-08. Review status: criteria provided, single submitter. Criteria: GeneDx Variant Classification Process June 2021. Collection method: clinical testing. Allele origin: germline. Affected: yes.
Comment: Observed in a patient with primary ciliary dyskinesia in published literature (PMID: 26139845); In silico analysis supports that this missense variant has a deleterious effect on protein structure/function; This variant is associated with the following publications: (PMID: 26139845)

Labcorp Genetics (formerly Invitae), Labcorp
Classification: Uncertain significance for Primary ciliary dyskinesia. Last evaluated: 2024-12-24. Review status: criteria provided, single submitter. Criteria: Invitae Variant Classification Sherloc (09022015). Collection method: clinical testing. Allele origin: germline.
Comment: This sequence change replaces arginine, which is basic and polar, with cysteine, which is neutral and slightly polar, at codon 4449 of the DNAH11 protein (p.Arg4449Cys). This variant is present in population databases (rs751222708, gnomAD 0.03%). This missense change has been observed in individual(s) with primary ciliary dyskinesia (PMID: 26139845). ClinVar contains an entry for this variant (Variation ID: 454659). Invitae Evidence Modeling of protein sequence and biophysical properties (such as structural, functional, and spatial information, amino acid conservation, physicochemical variation, residue mobility, and thermodynamic stability) indicates that this missense variant is not expected to disrupt DNAH11 protein function with a negative predictive value of 95%. In summary, the available evidence is currently insufficient to determine the role of this variant in disease. Therefore, it has been classified as a Variant of Uncertain Significance.

Ambry Genetics
Classification: Uncertain significance for Primary ciliary dyskinesia. Last evaluated: 2015-05-05. Review status: criteria provided, single submitter. Criteria: Ambry Variant Classification Scheme 2023. Collection method: clinical testing. Allele origin: germline.
Comment: The p.R4456C variant (also known as c.13366C>T), located in coding exon 82 of the DNAH11 gene, results from a C to T substitution at nucleotide position 13366. The arginine at codon 4456 is replaced by cysteine, an amino acid with highly dissimilar properties. This variant was not reported in population based cohorts in the following databases: Database of Single Nucleotide Polymorphisms (dbSNP), NHLBI Exome Sequencing Project (ESP), and 1000 Genomes Project. In the ESP, this variant was not observed in 6015 samples (12030 alleles) with coverage at this position. This amino acid position is poorly conserved in available vertebrate species. In addition, this alteration is predicted to be tolerated by in silico analysis. Since supporting evidence is limited at this time, the clinical significance of this variant remains unclear.

Literature cited by the submitters: PubMed 26139845 (cited by Labcorp Genetics (formerly Invitae), Labcorp).

NM_001277115.2(DNAH11):c.13345C>T (p.Arg4449Cys)

Genes: CDCA7L (cell division cycle associated 7 like; minus strand), DNAH11 (dynein axonemal heavy chain 11; plus strand). Cytogenetic location: 7p15.3.
Variant type: single nucleotide variant.
Coding change: c.13345C>T on transcript NM_001277115.2 (MANE Select); coding-DNA position 13345, C replaced by T.
Protein change: p.Arg4449Cys; replaces arginine 4449 with cysteine.
Molecular consequence: missense variant. On other transcripts: 3 prime UTR variant (3).
Genome position (GRCh38, 1-based): chr7:21,901,048, C>T. VCF-style: chr7-21901048-C-T. GRCh37 (hg19) VCF-style: chr7-21940666-C-T.
Other names: c.13366C>T (NM_003777.3); c.*1274G>A (NM_001127370.3, NM_001127371.3, NM_018719.5); short protein forms R4449C.
Identifiers: ClinVar variation 454659 (VCV000454659.8), dbSNP rs751222708, ClinGen allele CA4183460.